The following is an entry in ClinVar:

NM_000057.4(BLM):c.1863G>C (p.Glu621Asp)

Gene: BLM (BLM RecQ like helicase; plus strand). Cytogenetic location: 15q26.1.
Variant type: single nucleotide variant.
Coding change: c.1863G>C on transcript NM_000057.4 (MANE Select); coding-DNA position 1863, G replaced by C.
Protein change: p.Glu621Asp; replaces glutamic acid 621 with aspartic acid.
Molecular consequence: missense variant.
Genome position (GRCh38, 1-based): chr15:90,761,236, G>C. VCF-style: chr15-90761236-G-C. GRCh37 (hg19) VCF-style: chr15-91304466-G-C.
Other names: c.1863G>C (NM_000057.2); c.1863G>C, p.Glu621Asp (NM_001287246.2, NM_001287247.2); c.738G>C, p.Glu246Asp (NM_001287248.2); short protein forms E621D, E246D.
Identifiers: ClinVar variation 524820 (VCV000524820.10), dbSNP rs374965438, ClinGen allele CA393844007.
Genomic context (GRCh38, chr15:90,761,236, plus strand): 5'-CTCAGCCAAGACAGACTGTCTTCCAGTGTCATCTACTGCTCAAAATATAAACTTCTCAGA[G>C]TCAATTCAGAATTATACTGGTAAGTTTAAAATAAATTGAATGCTTATATGAAAACAAAAC-3'
Protein context (NP_000048.1, residues 611-631): SSTAQNINFS[Glu621Asp]SIQNYTDKSA

ClinVar aggregate classification (germline): Uncertain significance. Review status: criteria provided, multiple submitters, no conflicts (2 of 4 stars). 2 submissions from 2 submitters: Uncertain significance (2). Last evaluated 2026-08-23.

Conditions:
Bloom syndrome (BLM). Also called: Bloom-Torre-Machacek syndrome. Identifiers: Orphanet 125, MedGen C0005859, MONDO:0008876, OMIM 210900.
Hereditary cancer-predisposing syndrome. Also called: Hereditary Cancer Syndrome; Tumor predisposition; Hereditary neoplastic syndrome; Neoplastic Syndromes, Hereditary. Identifiers: Orphanet 140162, MedGen C0027672, MeSH D009386, MONDO:0015356.

gnomAD v4.1: 11 of 1,535,296 alleles (0.00072%); highest among the groups gnomAD compares: Non-Finnish European, 0.00087%; no homozygotes.

Submissions (2):

Ambry Genetics
Classification: Uncertain significance for Hereditary cancer-predisposing syndrome. Last evaluated: 2026-08-23. Review status: criteria provided, single submitter. Criteria: Ambry Variant Classification Scheme 2023. Collection method: clinical testing. Allele origin: germline.
Comment: The p.E621D variant (also known as c.1863G>C), located in coding exon 6 of the BLM gene, results from a G to C substitution at nucleotide position 1863. The glutamic acid at codon 621 is replaced by aspartic acid, an amino acid with highly similar properties. This amino acid position is conserved. In addition, this alteration is predicted to be tolerated by in silico analysis. Based on the available evidence, the clinical significance of this variant remains unclear.

Labcorp Genetics (formerly Invitae), Labcorp
Classification: Uncertain significance for Bloom syndrome. Last evaluated: 2017-08-30. Review status: criteria provided, single submitter. Criteria: Invitae Variant Classification Sherloc (09022015). Collection method: clinical testing. Allele origin: germline.
Comment: In summary, the available evidence is currently insufficient to determine the role of this variant in disease. Therefore, it has been classified as a Variant of Uncertain Significance. Algorithms developed to predict the effect of missense changes on protein structure and function (SIFT, PolyPhen-2, Align-GVGD) all suggest that this variant is likely to be tolerated, but these predictions have not been confirmed by published functional studies and their clinical significance is uncertain. This variant has not been reported in the literature in individuals with BLM-related disease. This variant is not present in population databases (ExAC no frequency). This sequence change replaces glutamic acid with aspartic acid at codon 621 of the BLM protein (p.Glu621Asp). The glutamic acid residue is weakly conserved and there is a small physicochemical difference between glutamic acid and aspartic acid.